The following is an entry in ClinVar:

NM_001904.4(CTNNB1):c.1471C>A (p.Leu491Ile)

Genes: CTNNB1 (catenin beta 1; plus strand), LOC126806659 (BRD4-independent group 4 enhancer GRCh37_chr3:41274918-41276117; plus strand). Cytogenetic location: 3p22.1.
Variant type: single nucleotide variant.
Coding change: c.1471C>A on transcript NM_001904.4 (MANE Select); coding-DNA position 1471, C replaced by A.
Protein change: p.Leu491Ile; replaces leucine 491 with isoleucine.
Molecular consequence: missense variant.
Genome position (GRCh38, 1-based): chr3:41,233,814, C>A. VCF-style: chr3-41233814-C-A. GRCh37 (hg19) VCF-style: chr3-41275305-C-A.
Other names: c.1471C>A, p.Leu491Ile (NM_001098209.2, NM_001098210.2); c.1450C>A, p.Leu484Ile (NM_001330729.2); short protein forms L484I, L491I.
Identifiers: ClinVar variation 1396252 (VCV001396252.6), dbSNP rs2125640601, ClinGen allele CA352233729.

ClinVar aggregate classification (germline): Uncertain significance (1 of 4 stars; one submission).

Submission:

Labcorp Genetics (formerly Invitae), Labcorp
Classification: Uncertain significance. Last evaluated: 2021-12-03. Review status: criteria provided, single submitter. Criteria: Invitae Variant Classification Sherloc (09022015). Collection method: clinical testing. Allele origin: germline.
Comment: Algorithms developed to predict the effect of missense changes on protein structure and function (SIFT, PolyPhen-2, Align-GVGD) all suggest that this variant is likely to be tolerated. This sequence change replaces leucine, which is neutral and non-polar, with isoleucine, which is neutral and non-polar, at codon 491 of the CTNNB1 protein (p.Leu491Ile). This variant is not present in population databases (gnomAD no frequency). This variant has not been reported in the literature in individuals affected with CTNNB1-related conditions. In summary, the available evidence is currently insufficient to determine the role of this variant in disease. Therefore, it has been classified as a Variant of Uncertain Significance.